The following is an entry in ClinVar:

NM_014236.4(GNPAT):c.226C>T (p.Leu76Phe)

Gene: GNPAT (glyceronephosphate O-acyltransferase; plus strand). Cytogenetic location: 1q42.2.
Variant type: single nucleotide variant.
Coding change: c.226C>T on transcript NM_014236.4 (MANE Select); coding-DNA position 226, C replaced by T.
Protein change: p.Leu76Phe; replaces leucine 76 with phenylalanine.
Molecular consequence: missense variant. On other transcripts: intron variant (1).
Genome position (GRCh38, 1-based): chr1:231,251,108, C>T. VCF-style: chr1-231251108-C-T. GRCh37 (hg19) VCF-style: chr1-231386854-C-T.
Other names: c.79-9399C>T (NM_001316350.2); short protein forms L76F.
Identifiers: ClinVar variation 2178135 (VCV002178135.1), dbSNP rs777047397, ClinGen allele CA1451746.

ClinVar aggregate classification (germline): Uncertain significance (1 of 4 stars; one submission).

Allele frequency attached by ClinVar (database versions not stated): ExAC 0.00001; gnomAD 0.00001; TOPMed 0.00001.
gnomAD v4.1: 9 of 1,594,484 alleles (0.00056%); highest among the groups gnomAD compares: Admixed American, 0.0017%; no homozygotes.

Submission:

Labcorp Genetics (formerly Invitae), Labcorp
Classification: Uncertain significance. Last evaluated: 2022-02-02. Review status: criteria provided, single submitter. Criteria: Invitae Variant Classification Sherloc (09022015). Collection method: clinical testing. Allele origin: germline.
Comment: This sequence change replaces leucine, which is neutral and non-polar, with phenylalanine, which is neutral and non-polar, at codon 76 of the GNPAT protein (p.Leu76Phe). This variant is present in population databases (rs777047397, gnomAD 0.002%). This variant has not been reported in the literature in individuals affected with GNPAT-related conditions. Algorithms developed to predict the effect of missense changes on protein structure and function are either unavailable or do not agree on the potential impact of this missense change (SIFT: "Deleterious"; PolyPhen-2: "Benign"; Align-GVGD: "Class C0"). In summary, the available evidence is currently insufficient to determine the role of this variant in disease. Therefore, it has been classified as a Variant of Uncertain Significance.